The following is an entry in ClinVar:

ClinVar aggregate classification (germline): Uncertain significance. Review status: criteria provided, multiple submitters, no conflicts (2 of 4 stars). 2 submissions from 2 submitters: Uncertain significance (2). Last evaluated 2025-12-22.

Conditions:
Oculodentodigital dysplasia, autosomal recessive. Also called: OCULODENTOOSSEOUS DYSPLASIA, AUTOSOMAL RECESSIVE; ODDD, AUTOSOMAL RECESSIVE; ODOD, AUTOSOMAL RECESSIVE. Identifiers: Orphanet 2710, MedGen C2749477, MONDO:0009768, OMIM 257850.
Inborn genetic diseases. Identifiers: MedGen C0950123, MeSH D030342.

gnomAD v4.1: 3 of 1,613,832 alleles (0.00019%); highest among the groups gnomAD compares: East Asian, 0.0067%; no homozygotes.

Submissions (2):

Ambry Genetics
Classification: Uncertain significance for Inborn genetic diseases. Last evaluated: 2025-12-22. Review status: criteria provided, single submitter. Criteria: Ambry Variant Classification Scheme 2023. Collection method: clinical testing. Allele origin: germline.

Labcorp Genetics (formerly Invitae), Labcorp
Classification: Uncertain significance for Oculodentodigital dysplasia, autosomal recessive. Last evaluated: 2025-09-24. Review status: criteria provided, single submitter. Criteria: Invitae Variant Classification Sherloc (09022015). Collection method: clinical testing. Allele origin: germline.
Comment: This sequence change replaces methionine, which is neutral and non-polar, with arginine, which is basic and polar, at codon 320 of the GJA1 protein (p.Met320Arg). This variant is present in population databases (rs569067227, gnomAD 0.006%). This variant has not been reported in the literature in individuals affected with GJA1-related conditions. Invitae Evidence Modeling of protein sequence and biophysical properties (such as structural, functional, and spatial information, amino acid conservation, physicochemical variation, residue mobility, and thermodynamic stability) indicates that this missense variant is not expected to disrupt GJA1 protein function with a negative predictive value of 95%. In summary, the available evidence is currently insufficient to determine the role of this variant in disease. Therefore, it has been classified as a Variant of Uncertain Significance.

NM_000165.5(GJA1):c.959T>G (p.Met320Arg)

Gene: GJA1 (gap junction protein alpha 1; plus strand). Cytogenetic location: 6q22.31.
Variant type: single nucleotide variant.
Coding change: c.959T>G on transcript NM_000165.5 (MANE Select); coding-DNA position 959, T replaced by G.
Protein change: p.Met320Arg; replaces methionine 320 with arginine.
Molecular consequence: missense variant.
Genome position (GRCh38, 1-based): chr6:121,447,806, T>G. VCF-style: chr6-121447806-T-G. GRCh37 (hg19) VCF-style: chr6-121768952-T-G.
Other names: c.959T>G (NM_000165.3); short protein forms M320R.
Identifiers: ClinVar variation 4713702 (VCV004713702.2).